The following is an entry in ClinVar:

NM_002474.3(MYH11):c.3086A>G (p.Lys1029Arg)

Gene: MYH11 (myosin heavy chain 11; minus strand). Cytogenetic location: 16p13.11.
Variant type: single nucleotide variant.
Coding change: c.3086A>G on transcript NM_002474.3 (MANE Select); coding-DNA position 3086, A replaced by G.
Protein change: p.Lys1029Arg; replaces lysine 1029 with arginine.
Molecular consequence: missense variant.
Genome position (GRCh38, 1-based): chr16:15,738,600, T>C on the plus strand (A>G on the coding strand, the complement: MYH11 is on the minus strand). VCF-style: chr16-15738600-T-C. GRCh37 (hg19) VCF-style: chr16-15832457-T-C.
Other names: c.3107A>G, p.Lys1036Arg (NM_001040113.2, NM_001040114.2); c.3086A>G, p.Lys1029Arg (NM_022844.3); short protein forms K1029R, K1036R.
Identifiers: ClinVar variation 920165 (VCV000920165.4), dbSNP rs2041188958, ClinGen allele CA394863721.

ClinVar aggregate classification (germline): Uncertain significance (1 of 4 stars; one submission).

Conditions:
Familial thoracic aortic aneurysm and aortic dissection (TAAD). Also called: Thoracic aortic aneurysms and dissections. Identifiers: Orphanet 91387, MedGen C4707243, MONDO:0019625.

Submission:

Color Diagnostics, LLC DBA Color Health
Classification: Uncertain significance for Familial thoracic aortic aneurysm and aortic dissection. Last evaluated: 2024-03-06. Review status: criteria provided, single submitter. Criteria: ACMG Guidelines, 2015. Collection method: clinical testing. Allele origin: germline.
Comment: This missense variant replaces lysine with arginine at codon 1036 of the MYH11 protein. Computational prediction tool is inconclusive regarding the impact of this variant on protein structure and function (internally defined REVEL score threshold 0.5 < inconclusive < 0.7, PMID: 27666373). Splice site prediction tools suggest that this variant may not impact RNA splicing. To our knowledge, functional studies have not been performed for this variant. This variant has not been reported in individuals affected with cardiovascular disorders in the literature. This variant has not been identified in the general population by the Genome Aggregation Database (gnomAD). The available evidence is insufficient to determine the role of this variant in disease conclusively. Therefore, this variant is classified as a Variant of Uncertain Significance.